The following is an entry in ClinVar:

ClinVar aggregate classification (germline): Conflicting classifications of pathogenicity. Review status: criteria provided, conflicting classifications (1 of 4 stars). 2 submissions from 2 submitters: Likely pathogenic (1); Uncertain significance (1). Last evaluated 2025-09-15.

Conditions:
Arrhythmogenic right ventricular cardiomyopathy (ARVD). Also called: Arrhythmogenic right ventricular dysplasia; Cardiomyopathy, ARVC; Arrhythmogenic cardiomyopathy; Arrhythmogenic Right Ventricular Cardiomyopathy (ARVC). Identifiers: Orphanet 247, MedGen C0349788, MeSH D019571, MONDO:0016587. Disease mechanism: loss of function. Inheritance: Various modes of inheritance.

Submissions (2):

GeneDx
Classification: Likely pathogenic. Last evaluated: 2025-09-15. Review status: criteria provided, single submitter. Criteria: GeneDx Variant Classification Process June 2021. Collection method: clinical testing. Allele origin: germline. Affected: yes.
Comment: Canonical splice site variant predicted to result in an in-frame loss of the adjacent exon in a gene for which loss of function is a known mechanism of disease; Not observed at significant frequency in large population cohorts (gnomAD); Has not been previously published as pathogenic or benign to our knowledge

All of Us Research Program, National Institutes of Health
Classification: Uncertain significance for Arrhythmogenic right ventricular cardiomyopathy. Last evaluated: 2023-12-13. Review status: criteria provided, single submitter. Criteria: ACMG Guidelines, 2015. Collection method: clinical testing. Allele origin: germline. Inheritance: Autosomal dominant inheritance. Observed: 1 variant allele, 1 heterozygote.
Comment: This variant causes a G to T nucleotide substitution at the +1 position of intron 12 of the DSG2 gene. Splice site prediction tools predict that this variant may have a significant impact on RNA splicing. To our knowlege, this prediction has not been confirmed in published RNA studies. This variant has not been reported in individuals affected with cardiovascular disorders in the literature. This variant has not been identified in the general population by the Genome Aggregation Database (gnomAD). Although there is a suspicion for a pathogenic role, clinical significance of loss-of-function DSG2 variants in autosomal dominant arrhythmogenic cardiomyopathy is not yet clearly established. Therefore, this variant is classified as a Variant of Uncertain Significance.

This study involves interpretation of variants in research participants for the purpose of population health screening. Participant phenotype was not available at the time of variant classification. Additional details can be found in publication PMID: 35346344, PMCID: PMC8962531

NM_001943.5(DSG2):c.1879+1G>T

Gene: DSG2 (desmoglein 2; plus strand). Cytogenetic location: 18q12.1.
Variant type: single nucleotide variant.
Coding change: c.1879+1G>T on transcript NM_001943.5 (MANE Select); the canonical splice donor site of the intron after coding-DNA position 1879, G replaced by T.
Molecular consequence: splice donor variant.
Genome position (GRCh38, 1-based): chr18:31,538,979, G>T. VCF-style: chr18-31538979-G-T. GRCh37 (hg19) VCF-style: chr18-29118942-G-T.
Identifiers: ClinVar variation 3075027 (VCV003075027.2), dbSNP rs2510919086, ClinGen allele CA402138557.